The following is an entry in ClinVar:

NM_173660.5(DOK7):c.772+6G>C

Genes: DOK7 (docking protein 7; plus strand), LOC129992118 (ATAC-STARR-seq lymphoblastoid silent region 15206; plus strand). Cytogenetic location: 4p16.3.
Variant type: single nucleotide variant.
Coding change: c.772+6G>C on transcript NM_173660.5 (MANE Select); 6 bases into the intron after coding-DNA position 772, G replaced by C.
Molecular consequence: intron variant.
Genome position (GRCh38, 1-based): chr4:3,489,802, G>C. VCF-style: chr4-3489802-G-C. GRCh37 (hg19) VCF-style: chr4-3491529-G-C.
Other names: c.772+6G>C (NM_001301071.2); c.340+6G>C (NM_001363811.2); c.761+6G>C (NM_001164673.2); c.-159+6G>C (NM_001256896.2).
Identifiers: ClinVar variation 1353814 (VCV001353814.3), dbSNP rs2109389412, ClinGen allele CA2573137593.

ClinVar aggregate classification (germline): Uncertain significance (1 of 4 stars; one submission).

Conditions:
Congenital myasthenic syndrome 10. Also called: Myasthenia, limb-girdle, familial. Identifiers: Orphanet 590, MedGen C1850792, MONDO:0009690, OMIM 254300.
Fetal akinesia deformation sequence 1 (FADS1). Also called: Pena-Shokeir syndrome type I; Fetal akinesia sequence. Identifiers: Orphanet 994, MedGen C1276035, MONDO:0100101, OMIM 208150, HP:0001989.

gnomAD v4.1: 1 of 1,569,986 alleles (0.000064%); highest among the groups gnomAD compares: Non-Finnish European, 0.000086%; no homozygotes.

Submission:

Labcorp Genetics (formerly Invitae), Labcorp
Classification: Uncertain significance for Congenital myasthenic syndrome 10; Fetal akinesia deformation sequence 1. Last evaluated: 2021-01-29. Review status: criteria provided, single submitter. Criteria: Invitae Variant Classification Sherloc (09022015). Collection method: clinical testing. Allele origin: germline.
Comment: This sequence change falls in intron 6 of the DOK7 gene. It does not directly change the encoded amino acid sequence of the DOK7 protein. It affects a nucleotide within the consensus splice site of the intron. This variant is not present in population databases (ExAC no frequency). This variant has not been reported in the literature in individuals with DOK7-related conditions. Nucleotide substitutions within the consensus splice site are a relatively common cause of aberrant splicing (PMID: 17576681, 9536098). Algorithms developed to predict the effect of sequence changes on RNA splicing suggest that this variant is not likely to affect RNA splicing, but this prediction has not been confirmed by published transcriptional studies. In summary, the available evidence is currently insufficient to determine the role of this variant in disease. Therefore, it has been classified as a Variant of Uncertain Significance.

Literature cited by the submitters: PubMed 17576681; PubMed 9536098.